The following is an entry in ClinVar:

ClinVar aggregate classification (germline): Uncertain significance (1 of 4 stars; one submission).

gnomAD v4.1: 3 of 1,613,234 alleles (0.00019%); no homozygotes.

Submission:

Labcorp Genetics (formerly Invitae), Labcorp
Classification: Uncertain significance. Last evaluated: 2025-10-27. Review status: criteria provided, single submitter. Criteria: Invitae Variant Classification Sherloc (09022015). Collection method: clinical testing. Allele origin: germline.
Comment: This sequence change replaces isoleucine, which is neutral and non-polar, with phenylalanine, which is neutral and non-polar, at codon 158 of the RHOBTB2 protein (p.Ile158Phe). This variant is not present in population databases (gnomAD no frequency). This variant has not been reported in the literature in individuals affected with RHOBTB2-related conditions. ClinVar contains an entry for this variant (Variation ID: 1999837). Invitae Evidence Modeling of protein sequence and biophysical properties (such as structural, functional, and spatial information, amino acid conservation, physicochemical variation, residue mobility, and thermodynamic stability) indicates that this missense variant is not expected to disrupt RHOBTB2 protein function with a negative predictive value of 80%. In summary, the available evidence is currently insufficient to determine the role of this variant in disease. Therefore, it has been classified as a Variant of Uncertain Significance.

NM_015178.3(RHOBTB2):c.406A>T (p.Ile136Phe)

Gene: RHOBTB2 (Rho related BTB domain containing 2; plus strand). Cytogenetic location: 8p21.3.
Variant type: single nucleotide variant.
Coding change: c.406A>T on transcript NM_015178.3 (MANE Select); coding-DNA position 406, A replaced by T.
Protein change: p.Ile136Phe; replaces isoleucine 136 with phenylalanine.
Molecular consequence: missense variant.
Genome position (GRCh38, 1-based): chr8:23,006,069, A>T. VCF-style: chr8-23006069-A-T. GRCh37 (hg19) VCF-style: chr8-22863582-A-T.
Other names: c.472A>T, p.Ile158Phe (NM_001160036.2); c.427A>T, p.Ile143Phe (NM_001160037.2); c.406A>T, p.Ile136Phe (NM_001374791.1); short protein forms I143F, I136F, I158F.
Identifiers: ClinVar variation 1999837 (VCV001999837.4), dbSNP rs141992570, ClinGen allele CA370561326.